The following is an entry in ClinVar:

NM_000071.3(CBS):c.1208C>T (p.Thr403Met)

Gene: CBS (cystathionine beta-synthase; minus strand). Cytogenetic location: 21q22.3.
Variant type: single nucleotide variant.
Coding change: c.1208C>T on transcript NM_000071.3 (MANE Select); coding-DNA position 1208, C replaced by T.
Protein change: p.Thr403Met; replaces threonine 403 with methionine.
Molecular consequence: missense variant.
Genome position (GRCh38, 1-based): chr21:43,059,241, G>A on the plus strand (C>T on the coding strand, the complement: CBS is on the minus strand). VCF-style: chr21-43059241-G-A. GRCh37 (hg19) VCF-style: chr21-44479351-G-A.
Other names: c.1208C>T, p.Thr403Met (NM_001178008.3, NM_001178009.3, NM_001320298.2); c.893C>T, p.Thr298Met (NM_001321072.1); short protein forms T403M, T298M.
Identifiers: ClinVar variation 282049 (VCV000282049.12), dbSNP rs886042297, ClinGen allele CA10604053.
Genomic context (GRCh38, chr21:43,059,241, plus strand): 5'-GGCAGGGCCAGCACAGGCAGCGGGTCTCCGGCCGAGCGGTCTTACCAGGGCTTCTTCTCC[G>A]TGAGGTCCTCCTCCTTCAGAAAGCCCTTCTGCAGCATCCACCTGTCGCTCAGGAACTTGG-3'
Protein context (NP_000062.1, residues 393-413): QKGFLKEEDL[Thr403Met]EKKPWWWHLR

ClinVar aggregate classification (germline): Conflicting classifications of pathogenicity. Review status: criteria provided, conflicting classifications (1 of 4 stars). 6 submissions from 6 submitters: Uncertain significance (5); Likely benign (1). Last evaluated 2025-05-01.

Conditions:
HYPERHOMOCYSTEINEMIA, THROMBOTIC, CBS-RELATED. Identifiers: MedGen C3150344, OMIM 236200.
Familial thoracic aortic aneurysm and aortic dissection (TAAD). Also called: Thoracic aortic aneurysms and dissections. Identifiers: Orphanet 91387, MedGen C4707243, MONDO:0019625.
Classic homocystinuria. Also called: Homocystinuria due to Cystathionine Beta-Synthase Deficiency; Homocystinuria due to CBS deficiency; Cystathionine beta-synthase deficiency; CBS deficiency; HOMOCYSTINURIA WITH OR WITHOUT RESPONSE TO PYRIDOXINE. Identifiers: Orphanet 394, MedGen C0751202, MONDO:0009352, OMIM 236200.

Allele frequency attached by ClinVar (database versions not stated): gnomAD exomes below 0.00001.

Submissions (6):

Ambry Genetics
Classification: Likely benign for Familial thoracic aortic aneurysm and aortic dissection. Last evaluated: 2025-05-01. Review status: criteria provided, single submitter. Criteria: Ambry Variant Classification Scheme 2023. Collection method: clinical testing. Allele origin: germline.

Labcorp Genetics (formerly Invitae), Labcorp
Classification: Uncertain significance for HYPERHOMOCYSTEINEMIA, THROMBOTIC, CBS-RELATED. Last evaluated: 2021-09-03. Review status: criteria provided, single submitter. Criteria: Invitae Variant Classification Sherloc (09022015). Collection method: clinical testing. Allele origin: germline.
Comment: This sequence change replaces threonine with methionine at codon 403 of the CBS protein (p.Thr403Met). The threonine residue is weakly conserved and there is a moderate physicochemical difference between threonine and methionine. This variant is not present in population databases (ExAC no frequency). This variant has not been reported in the literature in individuals affected with CBS-related conditions. ClinVar contains an entry for this variant (Variation ID: 282049). Algorithms developed to predict the effect of missense changes on protein structure and function output the following: SIFT: "Tolerated"; PolyPhen-2: "Benign"; Align-GVGD: "Class C0". The methionine amino acid residue is found in multiple mammalian species, which suggests that this missense change does not adversely affect protein function. In summary, the available evidence is currently insufficient to determine the role of this variant in disease. Therefore, it has been classified as a Variant of Uncertain Significance.

Revvity Omics, Revvity
Classification: Uncertain significance for Classic homocystinuria. Last evaluated: 2021-03-18. Review status: criteria provided, single submitter. Criteria: ACMG Guidelines, 2015. Collection method: clinical testing. Allele origin: germline.

GeneDx
Classification: Uncertain significance. Last evaluated: 2019-03-15. Review status: criteria provided, single submitter. Criteria: GeneDx Variant Classification Process June 2021. Collection method: clinical testing. Allele origin: germline. Affected: yes.

Eurofins Ntd Llc (ga)
Classification: Uncertain significance. Last evaluated: 2015-08-03. Review status: criteria provided, single submitter. Criteria: EGL Classification Definitions 2015. Collection method: clinical testing. Allele origin: germline. Observed: 1 variant allele, 1 heterozygote.

Breakthrough Genomics
Classification: Uncertain significance. Review status: criteria provided, single submitter. Criteria: ACMG Guidelines, 2015. Collection method: not provided. Allele origin: germline. Inheritance: Autosomal dominant inheritance. Affected: yes.